The following is an entry in ClinVar:

ClinVar aggregate classification (germline): Uncertain significance (1 of 4 stars; one submission).

Conditions:
Hereditary cancer-predisposing syndrome. Also called: Hereditary neoplastic syndrome; Neoplastic Syndromes, Hereditary; Tumor predisposition; Hereditary Cancer Syndrome. Identifiers: Orphanet 140162, MedGen C0027672, MeSH D009386, MONDO:0015356.

Submission:

Ambry Genetics
Classification: Uncertain significance for Hereditary cancer-predisposing syndrome. Last evaluated: 2025-08-27. Review status: criteria provided, single submitter. Criteria: Ambry Variant Classification Scheme 2023. Collection method: clinical testing. Allele origin: germline.
Comment: The p.S255C variant (also known as c.763A>T), located in coding exon 9 of the MUTYH gene, results from an A to T substitution at nucleotide position 763. The serine at codon 255 is replaced by cysteine, an amino acid with dissimilar properties. This amino acid position is conserved. In addition, the in silico prediction for this alteration is inconclusive. Based on the available evidence, the clinical significance of this variant remains unclear.

NM_001048174.2(MUTYH):c.679A>T (p.Ser227Cys)

Gene: MUTYH (mutY DNA glycosylase; minus strand). Cytogenetic location: 1p34.1.
Variant type: single nucleotide variant.
Coding change: c.679A>T on transcript NM_001048174.2 (MANE Select); coding-DNA position 679, A replaced by T.
Protein change: p.Ser227Cys; replaces serine 227 with cysteine.
Molecular consequence: missense variant. On other transcripts: non-coding transcript variant (7).
Genome position (GRCh38, 1-based): chr1:45,332,416, T>A on the plus strand (A>T on the coding strand, the complement: MUTYH is on the minus strand). VCF-style: chr1-45332416-T-A. GRCh37 (hg19) VCF-style: chr1-45798088-T-A.
Other names: c.403A>T, p.Ser135Cys (NM_001293192.2, NM_001293196.2, NM_001407091.1); c.679A>T, p.Ser227Cys (NM_001293195.2, NM_001407070.1, NM_001407072.1 and 6 more transcripts); c.334A>T, p.Ser112Cys (NM_001350650.2, NM_001350651.2, NM_001407082.1); c.712A>T, p.Ser238Cys (NM_001407069.1, NM_001293191.2, NM_001407077.1); c.682A>T, p.Ser228Cys (NM_001407071.1, NM_001407086.1, NM_001048172.2 and 1 more transcripts); c.700A>T, p.Ser234Cys (NM_001407087.1); c.754A>T, p.Ser252Cys (NM_012222.3); c.763A>T, p.Ser255Cys (NM_001128425.2); and 5 more; short protein forms S228C, S238C, S255C, S135C, S213C, S214C, S227C, S234C.
Identifiers: ClinVar variation 4113816 (VCV004113816.1).